The following is an entry in ClinVar:

ClinVar aggregate classification (germline): Uncertain significance (1 of 4 stars; one submission).

Submission:

GeneDx
Classification: Uncertain significance. Last evaluated: 2026-03-04. Review status: criteria provided, single submitter. Criteria: GeneDx Variant Classification Process June 2021. Collection method: clinical testing. Allele origin: germline.
Comment: Not observed at significant frequency in large population cohorts (gnomAD); Nonsense variant predicted to result in protein truncation or nonsense mediated decay in a gene or region of a gene for which loss of function is not a well-established mechanism of disease; Has not been previously published as pathogenic or benign to our knowledge

NM_003750.4(EIF3A):c.1684C>T (p.Arg562Ter)

Gene: EIF3A (eukaryotic translation initiation factor 3 subunit A; minus strand). Cytogenetic location: 10q26.11.
Variant type: single nucleotide variant.
Coding change: c.1684C>T on transcript NM_003750.4 (MANE Select); coding-DNA position 1684, C replaced by T.
Protein change: p.Arg562Ter; replaces arginine 562 with a stop codon.
Molecular consequence: nonsense.
Genome position (GRCh38, 1-based): chr10:119,058,249, G>A on the plus strand (C>T on the coding strand, the complement: EIF3A is on the minus strand). VCF-style: chr10-119058249-G-A. GRCh37 (hg19) VCF-style: chr10-120817761-G-A.
Other names: short protein forms R562*.
Identifiers: ClinVar variation 5008570 (VCV005008570.1).